The following is an entry in ClinVar:

ClinVar aggregate classification (germline): Conflicting classifications of pathogenicity. Review status: criteria provided, conflicting classifications (1 of 4 stars). 8 submissions from 8 submitters: Uncertain significance (2); Likely benign (5). 1 of the submissions does not count toward it. Last evaluated 2026-02-27.

Conditions:
ELP1-related disorder. Also called: ELP1-related condition.
Familial dysautonomia. Also called: FD; HSAN III. Identifiers: Orphanet 1764, MedGen C0013364, MONDO:0009131, OMIM 223900. Disease mechanism: loss of function.

Allele frequency attached by ClinVar (database versions not stated): 1000 Genomes Project 0.00080; ESP Exome Variant Server 0.00008; gnomAD 0.00014 and 0.00019; gnomAD exomes 0.00017 and 0.00031; TOPMed 0.00028; ExAC 0.00036; 1000 Genomes Project 30x 0.00062.
gnomAD v4.1: 282 of 1,613,798 alleles (0.017%); highest among the groups gnomAD compares: East Asian, 0.37%; no homozygotes.

Submissions (8):

Women's Health and Genetics/Laboratory Corporation of America, LabCorp
Classification: Likely benign. Last evaluated: 2026-02-27. Review status: criteria provided, single submitter. Criteria: LabCorp Variant Classification Summary - May 2015. Collection method: clinical testing. Allele origin: germline.
Comment: Variant summary: ELP1 c.208C>T (p.Arg70Cys) results in a non-conservative amino acid change in the encoded protein sequence. Algorithms developed to predict the effect of missense changes on protein structure and function are either unavailable or do not agree on the potential impact of this missense change. The variant allele was found at a frequency of 0.00017 in 1613798 control chromosomes, predominantly at a frequency of 0.0037 within the East Asian subpopulation in the gnomAD database. The observed variant frequency within East Asian control individuals in the gnomAD database exceeds the estimated maximal expected allele frequency for disease-causing variants in ELP1. To our knowledge, no occurrence of c.208C>T in individuals affected with ELP1-related conditions and no experimental evidence demonstrating its impact on protein function have been reported. ClinVar contains an entry for this variant (Variation ID: 285240). Based on the evidence outlined above, the variant was classified as likely benign.

Labcorp Genetics (formerly Invitae), Labcorp
Classification: Likely benign. Last evaluated: 2026-01-18. Review status: criteria provided, single submitter. Criteria: Invitae Variant Classification Sherloc (09022015). Collection method: clinical testing. Allele origin: germline.

PreventionGenetics, part of Exact Sciences
Classification: Likely benign for ELP1-related condition. Last evaluated: 2025-03-27. Review status: criteria provided, single submitter. Criteria: ACMG Guidelines, 2015. Collection method: clinical testing. Allele origin: germline.
Comment: This variant is classified as likely benign based on ACMG/AMP sequence variant interpretation guidelines (Richards et al. 2015 PMID: 25741868, with internal and published modifications).

CeGaT Center for Human Genetics Tuebingen
Classification: Likely benign. Last evaluated: 2024-02-01. Review status: criteria provided, single submitter. Criteria: CeGaT Center For Human Genetics Tuebingen Variant Classification Criteria Version 2. Collection method: clinical testing. Allele origin: germline. Affected: yes. Observed: 2 variant alleles.
Comment: ELP1: BP4

Ambry Genetics
Classification: Likely benign. Last evaluated: 2021-03-03. Review status: criteria provided, single submitter. Criteria: Ambry Variant Classification Scheme 2023. Collection method: clinical testing. Allele origin: germline.

Illumina Laboratory Services, Illumina
Classification: Uncertain significance for Familial dysautonomia. Last evaluated: 2018-01-12. Review status: criteria provided, single submitter. Criteria: ICSL Variant Classification Criteria 13 December 2019. Collection method: clinical testing. Allele origin: germline.

Eurofins Ntd Llc (ga)
Classification: Uncertain significance. Last evaluated: 2015-12-07. Review status: criteria provided, single submitter. Criteria: EGL Classification Definitions 2015. Collection method: clinical testing. Allele origin: germline. Observed: 1 variant allele, 1 heterozygote.

Natera, Inc.
Classification: Likely benign for Hereditary sensory and autonomic neuropathy type III. Last evaluated: 2020-04-14. Review status: no assertion criteria provided. Collection method: clinical testing. Allele origin: germline. Not counted in ClinVar's aggregate classification.

NM_003640.5(ELP1):c.208C>T (p.Arg70Cys)

Gene: ELP1 (elongator acetyltransferase complex subunit 1; minus strand). Cytogenetic location: 9q31.3.
Variant type: single nucleotide variant.
Coding change: c.208C>T on transcript NM_003640.5 (MANE Select); coding-DNA position 208, C replaced by T.
Protein change: p.Arg70Cys; replaces arginine 70 with cysteine.
Molecular consequence: missense variant. On other transcripts: 5 prime UTR variant (2).
Genome position (GRCh38, 1-based): chr9:108,929,864, G>A on the plus strand (C>T on the coding strand, the complement: ELP1 is on the minus strand). VCF-style: chr9-108929864-G-A. GRCh37 (hg19) VCF-style: chr9-111692144-G-A.
Other names: c.208C>T (LRG_251t1, NM_003640.4); c.-135C>T (NM_001318360.2); c.-652C>T (NM_001330749.2); short protein forms R70C.
Identifiers: ClinVar variation 285240 (VCV000285240.65), dbSNP rs3737311, ClinGen allele CA5175431.
Genomic context (GRCh38, chr9:108,929,864, plus strand): 5'-CAGAGGCTGTGGCCACACACACAGACTCCTGATCCAGCAAGTCCTGAACACCAACAATGC[G>A]GCCACTTCCATCCTCTGGGAGAAAGCCTTCTGCCACCAAAGAAACTTCATTTTTCACCTT-3'
Protein context (NP_003631.2, residues 60-80): EGFLPEDGSG[Arg70Cys]IVGVQDLLDQ